The following is an entry in ClinVar:

ClinVar aggregate classification (germline): Uncertain significance (1 of 4 stars; one submission).

Allele frequency attached by ClinVar (database versions not stated): gnomAD exomes below 0.00001.
gnomAD v4.1: 3 of 1,614,246 alleles (0.00019%); highest among the groups gnomAD compares: African/African-American, 0.0027%; no homozygotes.

Submission:

GeneDx
Classification: Uncertain significance. Last evaluated: 2024-10-24. Review status: criteria provided, single submitter. Criteria: GeneDx Variant Classification Process June 2021. Collection method: clinical testing. Allele origin: germline. Affected: yes.
Comment: Not observed at significant frequency in large population cohorts (gnomAD); In silico analysis supports that this missense variant has a deleterious effect on protein structure/function; Has not been previously published as pathogenic or benign to our knowledge

NM_015346.4(ZFYVE26):c.6751T>C (p.Tyr2251His)

Gene: ZFYVE26 (zinc finger FYVE-type containing 26; minus strand). Cytogenetic location: 14q24.1.
Variant type: single nucleotide variant.
Coding change: c.6751T>C on transcript NM_015346.4 (MANE Select); coding-DNA position 6751, T replaced by C.
Protein change: p.Tyr2251His; replaces tyrosine 2251 with histidine.
Molecular consequence: missense variant.
Genome position (GRCh38, 1-based): chr14:67,755,983, A>G on the plus strand (T>C on the coding strand, the complement: ZFYVE26 is on the minus strand). VCF-style: chr14-67755983-A-G. GRCh37 (hg19) VCF-style: chr14-68222700-A-G.
Other names: short protein forms Y2251H.
Identifiers: ClinVar variation 1306394 (VCV001306394.3), dbSNP rs947209355, ClinGen allele CA262814526.